The following is an entry in ClinVar:

ClinVar aggregate classification (germline): Uncertain significance. Review status: criteria provided, multiple submitters, no conflicts (2 of 4 stars). 3 submissions from 3 submitters: Uncertain significance (3). Last evaluated 2025-11-27.

Conditions:
Inborn genetic diseases. Identifiers: MedGen C0950123, MeSH D030342.
Combined malonic and methylmalonic acidemia. Identifiers: Orphanet 289504, MedGen C3280314, MONDO:0013661, OMIM 614265.

Allele frequency attached by ClinVar (database versions not stated): ExAC 0.00006; TOPMed 0.00006; gnomAD 0.00010.
gnomAD v4.1: 24 of 1,601,630 alleles (0.0015%); highest among the groups gnomAD compares: African/African-American, 0.031%; no homozygotes.

Submissions (3):

Dasa
Classification: Uncertain significance. Last evaluated: 2025-11-27. Review status: criteria provided, single submitter. Criteria: DASA Assertion Criteria. Collection method: clinical testing. Allele origin: germline.
Comment: NM_001243279.3(ACSF3):c.623G>A (p.Arg208Lys) is a missense variant that results in the substitution of arginine with lysine. This variant is rare in population databases. Computational prediction algorithms are consistent with a benign effect. The currently available literature and clinical evidence are not sufficient to establish a definitive association between this variant and the reported condition. Therefore, this variant is classified as a variant of uncertain significance.

Ambry Genetics
Classification: Uncertain significance for Inborn genetic diseases. Last evaluated: 2025-08-30. Review status: criteria provided, single submitter. Criteria: Ambry Variant Classification Scheme 2023. Collection method: clinical testing. Allele origin: germline.

Labcorp Genetics (formerly Invitae), Labcorp
Classification: Uncertain significance for Combined malonic and methylmalonic acidemia. Last evaluated: 2024-02-05. Review status: criteria provided, single submitter. Criteria: Invitae Variant Classification Sherloc (09022015). Collection method: clinical testing. Allele origin: germline.
Comment: This sequence change replaces arginine, which is basic and polar, with lysine, which is basic and polar, at codon 208 of the ACSF3 protein (p.Arg208Lys). This variant is present in population databases (rs749751646, gnomAD 0.03%). This variant has not been reported in the literature in individuals affected with ACSF3-related conditions. ClinVar contains an entry for this variant (Variation ID: 2197931). Advanced modeling of protein sequence and biophysical properties (such as structural, functional, and spatial information, amino acid conservation, physicochemical variation, residue mobility, and thermodynamic stability) has been performed at Invitae for this missense variant, however the output from this modeling did not meet the statistical confidence thresholds required to predict the impact of this variant on ACSF3 protein function. In summary, the available evidence is currently insufficient to determine the role of this variant in disease. Therefore, it has been classified as a Variant of Uncertain Significance.

NM_001243279.3(ACSF3):c.623G>A (p.Arg208Lys)

Gene: ACSF3 (acyl-CoA synthetase family member 3; plus strand). Cytogenetic location: 16q24.3.
Variant type: single nucleotide variant.
Coding change: c.623G>A on transcript NM_001243279.3 (MANE Select); coding-DNA position 623, G replaced by A.
Protein change: p.Arg208Lys; replaces arginine 208 with lysine.
Molecular consequence: missense variant. On other transcripts: non-coding transcript variant (3), intron variant (1).
Genome position (GRCh38, 1-based): chr16:89,101,304, G>A. VCF-style: chr16-89101304-G-A. GRCh37 (hg19) VCF-style: chr16-89167712-G-A.
Other names: c.623G>A (NM_174917.3); c.623G>A, p.Arg208Lys (NM_001127214.4, NM_174917.5); c.-129-1300G>A (NM_001284316.2); short protein forms R208K.
Identifiers: ClinVar variation 2197931 (VCV002197931.5), dbSNP rs749751646, ClinGen allele CA8237709.